The following is an entry in ClinVar:

NM_018896.5(CACNA1G):c.2223C>T (p.Asp741=)

Gene: CACNA1G (calcium voltage-gated channel subunit alpha1 G; plus strand). Cytogenetic location: 17q21.33.
Variant type: single nucleotide variant.
Coding change: c.2223C>T on transcript NM_018896.5 (MANE Select); coding-DNA position 2223, C replaced by T.
Protein change: p.Asp741=; no amino-acid change (aspartic acid 741 retained).
Molecular consequence: synonymous variant. On other transcripts: non-coding transcript variant (5).
Genome position (GRCh38, 1-based): chr17:50,578,486, C>T. VCF-style: chr17-50578486-C-T. GRCh37 (hg19) VCF-style: chr17-48655847-C-T.
Other names: c.2223C>T, p.Asp741= (NM_001256324.2, NM_001256325.2, NM_001256326.2 and 24 more transcripts).
Identifiers: ClinVar variation 739628 (VCV000739628.32), dbSNP rs529759637, ClinGen allele CA8652363.

ClinVar aggregate classification (germline): Benign/Likely benign. Review status: criteria provided, multiple submitters, no conflicts (2 of 4 stars). 3 submissions from 3 submitters: Benign (1); Likely benign (2). Last evaluated 2025-06-25.

Allele frequency attached by ClinVar (database versions not stated): gnomAD 0.00001 and 0.00017; TOPMed 0.00003; gnomAD exomes 0.00061; ExAC 0.00066; 1000 Genomes Project 0.00100; 1000 Genomes Project 30x 0.00172.

Submissions (3):

Labcorp Genetics (formerly Invitae), Labcorp
Classification: Benign. Last evaluated: 2025-06-25. Review status: criteria provided, single submitter. Criteria: Invitae Variant Classification Sherloc (09022015). Collection method: clinical testing. Allele origin: germline.

CeGaT Center for Human Genetics Tuebingen
Classification: Likely benign. Last evaluated: 2024-12-01. Review status: criteria provided, single submitter. Criteria: CeGaT Center For Human Genetics Tuebingen Variant Classification Criteria Version 2. Collection method: clinical testing. Allele origin: germline. Affected: yes. Observed: 2 variant alleles.
Comment: CACNA1G: BP4, BP7, BS1

Blueprint Genetics
Classification: Likely benign. Last evaluated: 2024-11-05. Review status: criteria provided, single submitter. Criteria: ACMG Guidelines, 2015. Collection method: clinical testing. Allele origin: germline.